The following is an entry in ClinVar:

NM_015965.7(NDUFA13):c.51G>T (p.Gly17=)

Genes: NDUFA13 (NADH:ubiquinone oxidoreductase subunit A13; plus strand), LOC130064074 (ATAC-STARR-seq lymphoblastoid active region 14360; plus strand). Cytogenetic location: 19p13.11.
Variant type: single nucleotide variant.
Coding change: c.51G>T on transcript NM_015965.7 (MANE Select); coding-DNA position 51, G replaced by T.
Protein change: p.Gly17=; no amino-acid change (glycine 17 retained).
Molecular consequence: synonymous variant.
Genome position (GRCh38, 1-based): chr19:19,516,289, G>T. VCF-style: chr19-19516289-G-T. GRCh37 (hg19) VCF-style: chr19-19627098-G-T.
Identifiers: ClinVar variation 2649609 (VCV002649609.24), dbSNP rs775150533, ClinGen allele CA506134698.

ClinVar aggregate classification (germline): Likely benign (1 of 4 stars; one submission).

Allele frequency attached by ClinVar (database versions not stated): gnomAD 0.00001.
gnomAD v4.1: 1 of 1,613,776 alleles (0.000062%); highest among the groups gnomAD compares: Non-Finnish European, 0.000085%; no homozygotes.

Submission:

CeGaT Center for Human Genetics Tuebingen
Classification: Likely benign. Last evaluated: 2022-04-01. Review status: criteria provided, single submitter. Criteria: CeGaT Center For Human Genetics Tuebingen Variant Classification Criteria Version 2. Collection method: clinical testing. Allele origin: germline. Affected: yes. Observed: 1 variant allele.
Comment: NDUFA13: BP4, BP7